The following is an entry in ClinVar:

NM_001854.4(COL11A1):c.4761A>G (p.Lys1587=)

Gene: COL11A1 (collagen type XI alpha 1 chain; minus strand). Cytogenetic location: 1p21.1.
Variant type: single nucleotide variant.
Coding change: c.4761A>G on transcript NM_001854.4 (MANE Select); coding-DNA position 4761, A replaced by G.
Protein change: p.Lys1587=; no amino-acid change (lysine 1587 retained).
Molecular consequence: synonymous variant. On other transcripts: non-coding transcript variant (1).
Genome position (GRCh38, 1-based): chr1:102,886,904, T>C on the plus strand (A>G on the coding strand, the complement: COL11A1 is on the minus strand). VCF-style: chr1-102886904-T-C. GRCh37 (hg19) VCF-style: chr1-103352460-T-C.
Other names: c.4644A>G, p.Lys1548= (NM_001190709.2); c.4797A>G, p.Lys1599= (NM_080629.3); c.4413A>G, p.Lys1471= (NM_080630.4).
Identifiers: ClinVar variation 1188027 (VCV001188027.11), dbSNP rs375667862, ClinGen allele CA973419.

ClinVar aggregate classification (germline): Likely benign. Review status: criteria provided, multiple submitters, no conflicts (2 of 4 stars). 4 submissions from 4 submitters: Likely benign (3). 1 of the submissions does not count toward it. Last evaluated 2025-12-19.

Conditions:
COL11A1-related disorder. Also called: COL11A1-related condition; COL11A1-related disorders.

Allele frequency attached by ClinVar (database versions not stated): TOPMed 0.00001; gnomAD 0.00002; ExAC 0.00003; gnomAD exomes 0.00004; ESP Exome Variant Server 0.00015.
gnomAD v4.1: 67 of 1,613,756 alleles (0.0042%); highest among the groups gnomAD compares: Middle Eastern, 0.016%; no homozygotes.

Submissions (4):

Labcorp Genetics (formerly Invitae), Labcorp
Classification: Likely benign. Last evaluated: 2025-12-19. Review status: criteria provided, single submitter. Criteria: Invitae Variant Classification Sherloc (09022015). Collection method: clinical testing. Allele origin: germline.

Blueprint Genetics
Classification: Likely benign. Last evaluated: 2019-12-04. Review status: criteria provided, single submitter. Criteria: ACMG Guidelines, 2015. Collection method: clinical testing. Allele origin: germline.

GeneDx
Classification: Likely benign. Last evaluated: 2019-11-01. Review status: criteria provided, single submitter. Criteria: GeneDx Variant Classification Process June 2021. Collection method: clinical testing. Allele origin: germline. Affected: yes.

PreventionGenetics, part of Exact Sciences
Classification: Likely benign for COL11A1-related condition. Last evaluated: 2023-11-01. Review status: no assertion criteria provided. Collection method: clinical testing. Allele origin: germline. Not counted in ClinVar's aggregate classification.
Comment: This variant is classified as likely benign based on ACMG/AMP sequence variant interpretation guidelines (Richards et al. 2015 PMID: 25741868, with internal and published modifications).